The following is an entry in ClinVar:

ClinVar aggregate classification (germline): Uncertain significance (1 of 4 stars; one submission).

Conditions:
Familial cancer of breast. Also called: hereditary breast carcinoma; BREAST CANCER, FAMILIAL; Hereditary breast cancer. Identifiers: Orphanet 227535, MedGen C0346153, MONDO:0016419, OMIM 114480. Disease mechanism: loss of function.

Submission:

Labcorp Genetics (formerly Invitae), Labcorp
Classification: Uncertain significance for Familial cancer of breast. Last evaluated: 2022-03-06. Review status: criteria provided, single submitter. Criteria: Invitae Variant Classification Sherloc (09022015). Collection method: clinical testing. Allele origin: germline.
Comment: This sequence change replaces alanine, which is neutral and non-polar, with serine, which is neutral and polar, at codon 1017 of the PALB2 protein (p.Ala1017Ser). This variant is not present in population databases (gnomAD no frequency). This variant has not been reported in the literature in individuals affected with PALB2-related conditions. Algorithms developed to predict the effect of missense changes on protein structure and function are either unavailable or do not agree on the potential impact of this missense change (SIFT: "Tolerated"; PolyPhen-2: "Possibly Damaging"; Align-GVGD: "Class C0"). In summary, the available evidence is currently insufficient to determine the role of this variant in disease. Therefore, it has been classified as a Variant of Uncertain Significance.

NM_024675.4(PALB2):c.3049G>T (p.Ala1017Ser)

Gene: PALB2 (partner and localizer of BRCA2; minus strand). Cytogenetic location: 16p12.2.
Variant type: single nucleotide variant.
Coding change: c.3049G>T on transcript NM_024675.4 (MANE Select); coding-DNA position 3049, G replaced by T.
Protein change: p.Ala1017Ser; replaces alanine 1017 with serine.
Molecular consequence: missense variant.
Genome position (GRCh38, 1-based): chr16:23,621,426, C>A on the plus strand (G>T on the coding strand, the complement: PALB2 is on the minus strand). VCF-style: chr16-23621426-C-A. GRCh37 (hg19) VCF-style: chr16-23632747-C-A.
Other names: c.2989G>T, p.Ala997Ser (NM_001407296.1); c.2977G>T, p.Ala993Ser (NM_001407297.1); c.2887G>T, p.Ala963Ser (NM_001407298.1, NM_001407302.1); c.3049G>T, p.Ala1017Ser (NM_001407299.1, NM_001407301.1); c.2164G>T, p.Ala722Ser (NM_001407304.1, NM_001407305.1, NM_001407306.1 and 4 more transcripts); c.2002G>T, p.Ala668Ser (NM_001407307.1); c.1261G>T, p.Ala421Ser (NM_001407312.1, NM_001407313.1); c.583G>T, p.Ala195Ser (NM_001407314.1); short protein forms A963S, A195S, A421S, A1017S, A668S, A997S, A722S, A993S.
Identifiers: ClinVar variation 2107323 (VCV002107323.4), dbSNP rs759795184, ClinGen allele CA395143033.